The following is an entry in ClinVar:

ClinVar aggregate classification (germline): Uncertain significance (1 of 4 stars; one submission).

Submission:

GeneDx
Classification: Uncertain significance. Last evaluated: 2023-06-28. Review status: criteria provided, single submitter. Criteria: GeneDx Variant Classification Process June 2021. Collection method: clinical testing. Allele origin: germline. Affected: yes.
Comment: Not observed at significant frequency in large population cohorts (gnomAD); In silico analysis supports that this missense variant does not alter protein structure/function; Has not been previously published as pathogenic or benign to our knowledge

NM_001110556.2(FLNA):c.1919C>T (p.Ala640Val)

Gene: FLNA (filamin A; minus strand). Cytogenetic location: Xq28.
Variant type: single nucleotide variant.
Coding change: c.1919C>T on transcript NM_001110556.2 (MANE Select); coding-DNA position 1919, C replaced by T.
Protein change: p.Ala640Val; replaces alanine 640 with valine.
Molecular consequence: missense variant.
Genome position (GRCh38, 1-based): chrX:154,364,629, G>A on the plus strand (C>T on the coding strand, the complement: FLNA is on the minus strand). VCF-style: chrX-154364629-G-A. GRCh37 (hg19) VCF-style: chrX-153592997-G-A.
Other names: c.1919C>T, p.Ala640Val (NM_001456.4); short protein forms A640V.
Identifiers: ClinVar variation 3360459 (VCV003360459.1).